The following is an entry in ClinVar:

NM_007294.4(BRCA1):c.4679del (p.Gly1560fs)

Gene: BRCA1 (BRCA1 DNA repair associated; minus strand). Cytogenetic location: 17q21.31.
Variant type: Deletion.
Coding change: c.4679del on transcript NM_007294.4 (MANE Select); coding-DNA position 4679, one base deleted (G; older notation c.4679delG).
Protein change: p.Gly1560fs; shifts the reading frame from glycine 1560.
Molecular consequence: frameshift variant. On other transcripts: non-coding transcript variant (1).
Genome position (GRCh38, 1-based): chr17:43,071,235, C deleted on the plus strand (G on the coding strand, the reverse complement: BRCA1 is on the minus strand); the first of 3 consecutive C bases (chr17:43,071,235-43,071,237); deleting any one gives the same sequence. VCF-style (leftmost placement, unchanged base first): chr17-43071234-TC-T. GRCh37 (hg19) VCF-style: chr17-41223251-TC-T.
Other names: c.1367del, p.Gly456fs (NM_007299.4); c.4742del, p.Gly1581fs (NM_007300.4); c.1365delG, p.Gly456Glufs (NM_007304.2, NM_001407979.1, NM_001407980.1 and 12 more transcripts); c.4464delG, p.Gly1489Glufs (NM_001407571.1, NM_001407894.1, NM_001407895.1 and 12 more transcripts); c.4743delG, p.Gly1582Glufs (NM_001407581.1, NM_001407582.1); c.4740delG, p.Gly1581Glufs (NM_001407583.1, NM_001407585.1, NM_001407587.1); c.4737delG, p.Gly1580Glufs (NM_001407590.1, NM_001407591.1); c.4677delG, p.Gly1560Glufs (NM_001407593.1, NM_001407594.1, NM_001407596.1 and 8 more transcripts); and 73 more; short protein forms G1513fs, G1560fs, G1581fs, G456fs.
Identifiers: ClinVar variation 2029623 (VCV002029623.4), dbSNP rs1555581104, ClinGen allele CA2580094190.
Genomic context (GRCh38, chr17:43,071,234, plus strand): 5'-AGAAGGATCAGATTCAGGGTCATCAGAGAAGAGGCTGATTCCAGATTCCAGGTAAGGGGT[TC>T]CCTCTGAAAGGAATGGGAGAAGTTTAATTTACACAACGATGAATGTTGAATTACAAAGTT-3'

ClinVar aggregate classification (germline): Pathogenic (1 of 4 stars; one submission).

Conditions:
Hereditary breast ovarian cancer syndrome. Also called: BRCA1- and BRCA2-Associated Hereditary Breast and Ovarian Cancer; Hereditary breast and ovarian cancer; Hereditary breast and ovarian cancer syndrome (HBOC); Breast and ovarian cancer; Hereditary breast and ovarian cancer syndrome; Hereditary breast and/or ovarian cancer syndrome. Identifiers: Orphanet 145, MedGen C0677776, MeSH D061325, MONDO:0003582. Disease mechanism: loss of function.

Submission:

Labcorp Genetics (formerly Invitae), Labcorp
Classification: Pathogenic for Hereditary breast ovarian cancer syndrome. Last evaluated: 2022-09-09. Review status: criteria provided, single submitter. Criteria: Invitae Variant Classification Sherloc (09022015). Collection method: clinical testing. Allele origin: germline.
Comment: For these reasons, this variant has been classified as Pathogenic. This variant has not been reported in the literature in individuals affected with BRCA1-related conditions. This variant is not present in population databases (gnomAD no frequency). This sequence change creates a premature translational stop signal (p.Gly1560Glufs*41) in the BRCA1 gene. It is expected to result in an absent or disrupted protein product. Loss-of-function variants in BRCA1 are known to be pathogenic (PMID: 20104584).

Literature cited by the submitters: PubMed 20104584.